The following is an entry in ClinVar:

NM_000059.4(BRCA2):c.139G>C (p.Ala47Pro)

Gene: BRCA2 (BRCA2 DNA repair associated; plus strand). Cytogenetic location: 13q13.1.
Variant type: single nucleotide variant.
Coding change: c.139G>C on transcript NM_000059.4 (MANE Select); coding-DNA position 139, G replaced by C.
Protein change: p.Ala47Pro; replaces alanine 47 with proline.
Molecular consequence: missense variant.
Genome position (GRCh38, 1-based): chr13:32,319,148, G>C. VCF-style: chr13-32319148-G-C. GRCh37 (hg19) VCF-style: chr13-32893285-G-C.
Other names: c.139G>C, p.Ala47Pro (NM_001406719.1, NM_001406720.1, NM_001406721.1); c.-231G>C (NM_001406722.1); short protein forms A47P.
Identifiers: ClinVar variation 2418767 (VCV002418767.8), dbSNP rs2548511218, ClinGen allele CA387754259.

ClinVar aggregate classification (germline): Uncertain significance (1 of 4 stars; one submission).

Conditions:
Hereditary breast ovarian cancer syndrome. Also called: Hereditary breast and ovarian cancer syndrome; Hereditary breast and ovarian cancer syndrome (HBOC); Hereditary breast and ovarian cancer; Breast and ovarian cancer; BRCA1- and BRCA2-Associated Hereditary Breast and Ovarian Cancer; Hereditary breast and/or ovarian cancer syndrome. Identifiers: Orphanet 145, MedGen C0677776, MeSH D061325, MONDO:0003582. Disease mechanism: loss of function.

Submission:

Labcorp Genetics (formerly Invitae), Labcorp
Classification: Uncertain significance for Hereditary breast ovarian cancer syndrome. Last evaluated: 2022-05-12. Review status: criteria provided, single submitter. Criteria: Invitae Variant Classification Sherloc (09022015). Collection method: clinical testing. Allele origin: germline.
Comment: In summary, the available evidence is currently insufficient to determine the role of this variant in disease. Therefore, it has been classified as a Variant of Uncertain Significance. Advanced modeling of protein sequence and biophysical properties (such as structural, functional, and spatial information, amino acid conservation, physicochemical variation, residue mobility, and thermodynamic stability) performed at Invitae indicates that this missense variant is not expected to disrupt BRCA2 protein function. This variant has not been reported in the literature in individuals affected with BRCA2-related conditions. This variant is not present in population databases (gnomAD no frequency). This sequence change replaces alanine, which is neutral and non-polar, with proline, which is neutral and non-polar, at codon 47 of the BRCA2 protein (p.Ala47Pro).